The following is an entry in ClinVar:

ClinVar aggregate classification (germline): Benign/Likely benign. Review status: criteria provided, multiple submitters, no conflicts (2 of 4 stars). 6 submissions from 6 submitters: Benign (2); Likely benign (3). 1 of the submissions does not count toward it. Last evaluated 2026-08-01.

Conditions:
Inborn genetic diseases. Identifiers: MedGen C0950123, MeSH D030342.
ARID1B-Related Disorder. Identifiers: MedGen CN381337.

Allele frequency attached by ClinVar (database versions not stated): gnomAD exomes 0.00040 and 0.00118; ESP Exome Variant Server 0.00048; gnomAD 0.00062; TOPMed 0.00063; ExAC 0.00115.
gnomAD v4.1: 656 of 1,455,742 alleles (0.045%); highest among the groups gnomAD compares: Admixed American, 0.017%; 7 homozygotes.

Submissions (6):

CeGaT Center for Human Genetics Tuebingen
Classification: Likely benign. Last evaluated: 2026-08-01. Review status: criteria provided, single submitter. Criteria: CeGaT Center For Human Genetics Tuebingen Variant Classification Criteria Version 2. Collection method: clinical testing. Allele origin: germline. Affected: yes. Observed: 7 variant alleles.
Comment: ARID1B: BS1

Labcorp Genetics (formerly Invitae), Labcorp
Classification: Benign. Last evaluated: 2025-11-17. Review status: criteria provided, single submitter. Criteria: Invitae Variant Classification Sherloc (09022015). Collection method: clinical testing. Allele origin: germline.

Blueprint Genetics
Classification: Likely benign. Last evaluated: 2024-09-18. Review status: criteria provided, single submitter. Criteria: ACMG Guidelines, 2015. Collection method: clinical testing. Allele origin: germline.

GeneDx
Classification: Likely benign. Last evaluated: 2020-08-05. Review status: criteria provided, single submitter. Criteria: GeneDx Variant Classification Process June 2021. Collection method: clinical testing. Allele origin: germline. Affected: yes.

Ambry Genetics
Classification: Benign for Inborn genetic diseases. Last evaluated: 2018-10-12. Review status: criteria provided, single submitter. Criteria: Ambry Variant Classification Scheme 2023. Collection method: clinical testing. Allele origin: germline.

PreventionGenetics, part of Exact Sciences
Classification: Benign for ARID1B-related condition. Last evaluated: 2019-05-01. Review status: no assertion criteria provided. Collection method: clinical testing. Allele origin: germline. Not counted in ClinVar's aggregate classification.
Comment: This variant is classified as benign based on ACMG/AMP sequence variant interpretation guidelines (Richards et al. 2015 PMID: 25741868, with internal and published modifications).

NM_001374828.1(ARID1B):c.1771C>T (p.Pro591Ser)

Gene: ARID1B (AT-rich interaction domain 1B; plus strand). Cytogenetic location: 6q25.3.
Variant type: single nucleotide variant.
Coding change: c.1771C>T on transcript NM_001374828.1 (MANE Select); coding-DNA position 1771, C replaced by T.
Protein change: p.Pro591Ser; replaces proline 591 with serine.
Molecular consequence: missense variant.
Genome position (GRCh38, 1-based): chr6:156,779,451, C>T. VCF-style: chr6-156779451-C-T. GRCh37 (hg19) VCF-style: chr6-157100585-C-T.
Other names: c.1771C>T, p.Pro591Ser (NM_001371656.1, NM_001374820.1, NM_017519.3); c.1522C>T (NM_020732.3); short protein forms P591S.
Identifiers: ClinVar variation 1197199 (VCV001197199.36), dbSNP rs200682868, ClinGen allele CA4066798.